The following is an entry in ClinVar:

NM_000388.4(CASR):c.3208A>T (p.Thr1070Ser)

Gene: CASR (calcium sensing receptor; plus strand). Cytogenetic location: 3q21.1.
Variant type: single nucleotide variant.
Coding change: c.3208A>T on transcript NM_000388.4 (MANE Select); coding-DNA position 3208, A replaced by T.
Protein change: p.Thr1070Ser; replaces threonine 1070 with serine.
Molecular consequence: missense variant.
Genome position (GRCh38, 1-based): chr3:122,285,162, A>T. VCF-style: chr3-122285162-A-T. GRCh37 (hg19) VCF-style: chr3-122004009-A-T.
Other names: c.3238A>T, p.Thr1080Ser (NM_001178065.2); short protein forms T1080S, T1070S.
Identifiers: ClinVar variation 972259 (VCV000972259.10), dbSNP rs557676527, ClinGen allele CA82749645.

ClinVar aggregate classification (germline): Uncertain significance. Review status: criteria provided, multiple submitters, no conflicts (2 of 4 stars). 2 submissions from 2 submitters: Uncertain significance (2). Last evaluated 2022-04-01.

Conditions:
Nephrolithiasis/nephrocalcinosis. Identifiers: MedGen CN580796.
Familial hypocalciuric hypercalcemia (FHH). Also called: Familial benign hypercalcemia. Identifiers: Orphanet 405, MedGen C1809471, MONDO:0018458.
Autosomal dominant hypocalcemia 1 (HYPOC1). Also called: HYPOCALCEMIA, FAMILIAL. Identifiers: MedGen C3715128, MONDO:0011013, OMIM 601198.

Allele frequency attached by ClinVar (database versions not stated): TOPMed below 0.00001; gnomAD 0.00001.
gnomAD v4.1: 3 of 1,614,056 alleles (0.00019%); highest among the groups gnomAD compares: Non-Finnish European, 0.00025%; no homozygotes.

Submissions (2):

Ambry Genetics
Classification: Uncertain significance for Nephrolithiasis/nephrocalcinosis. Last evaluated: 2022-04-01. Review status: criteria provided, single submitter. Criteria: Ambry Variant Classification Scheme 2023. Collection method: clinical testing. Allele origin: germline.
Comment: The p.T1070S variant (also known as c.3208A>T), located in coding exon 6 of the CASR gene, results from an A to T substitution at nucleotide position 3208. The threonine at codon 1070 is replaced by serine, an amino acid with similar properties. This amino acid position is conserved. In addition, this alteration is predicted to be tolerated by in silico analysis. Since supporting evidence is limited at this time, the clinical significance of this alteration remains unclear.

Labcorp Genetics (formerly Invitae), Labcorp
Classification: Uncertain significance for Familial hypocalciuric hypercalcemia; Autosomal dominant hypocalcemia 1. Last evaluated: 2021-11-25. Review status: criteria provided, single submitter. Criteria: Invitae Variant Classification Sherloc (09022015). Collection method: clinical testing. Allele origin: germline.
Comment: This sequence change replaces threonine, which is neutral and polar, with serine, which is neutral and polar, at codon 1070 of the CASR protein (p.Thr1070Ser). This variant is not present in population databases (gnomAD no frequency). This variant has not been reported in the literature in individuals affected with CASR-related conditions. ClinVar contains an entry for this variant (Variation ID: 972259). Algorithms developed to predict the effect of missense changes on protein structure and function output the following: SIFT: "Tolerated"; PolyPhen-2: "Benign"; Align-GVGD: "Class C0". The serine amino acid residue is found in multiple mammalian species, which suggests that this missense change does not adversely affect protein function. In summary, the available evidence is currently insufficient to determine the role of this variant in disease. Therefore, it has been classified as a Variant of Uncertain Significance.